The following is an entry in ClinVar:

NM_003128.3(SPTBN1):c.1312C>A (p.Leu438Met)

Gene: SPTBN1 (spectrin beta, non-erythrocytic 1; plus strand). Cytogenetic location: 2p16.2.
Variant type: single nucleotide variant.
Coding change: c.1312C>A on transcript NM_003128.3 (MANE Select); coding-DNA position 1312, C replaced by A.
Protein change: p.Leu438Met; replaces leucine 438 with methionine.
Molecular consequence: missense variant.
Genome position (GRCh38, 1-based): chr2:54,624,933, C>A. VCF-style: chr2-54624933-C-A. GRCh37 (hg19) VCF-style: chr2-54852070-C-A.
Other names: c.1273C>A, p.Leu425Met (NM_178313.3); short protein forms L425M, L438M.
Identifiers: ClinVar variation 4988520 (VCV004988520.1).

ClinVar aggregate classification (germline): Uncertain significance (1 of 4 stars; one submission).

Conditions:
SPTBN1-related disorder. Also called: SPTBN1-related condition.

gnomAD v4.1: 9 of 1,608,638 alleles (0.00056%); highest among the groups gnomAD compares: Non-Finnish European, 0.00076%; no homozygotes.

Submission:

PreventionGenetics, part of Exact Sciences
Classification: Uncertain significance for SPTBN1-related condition. Last evaluated: 2026-06-10. Review status: criteria provided, single submitter. Criteria: ACMG Guidelines, 2015. Collection method: clinical testing. Allele origin: germline.
Comment: The SPTBN1 c.1312C>A variant is predicted to result in the amino acid substitution p.Leu438Met. To our knowledge, this variant has not been reported in the literature. This variant is reported in 0.0018% of alleles in individuals of European (Non-Finnish) descent in gnomAD. At this time, the clinical significance of this variant is uncertain due to the absence of conclusive functional and genetic evidence.